The following continues an entry in ClinVar:

NM_000077.5(CDKN2A):c.206A>G (p.Glu69Gly)

Gene: CDKN2A. ClinVar aggregate classification (germline): Conflicting classifications of pathogenicity. Likely pathogenic (1); Uncertain significance (10).

Submissions 7 to 11 of 11:

Women's Health and Genetics/Laboratory Corporation of America, LabCorp
Classification: Uncertain significance. Last evaluated: 2024-07-22. Review status: criteria provided, single submitter. Criteria: LabCorp Variant Classification Summary - May 2015. Collection method: clinical testing. Allele origin: germline.
Comment: Variant summary: CDKN2A c.206A>G (p.Glu69Gly) results in a non-conservative amino acid change in the encoded protein sequence. Three of five in-silico tools predict a damaging effect of the variant on protein function. The variant allele was found at a frequency of 4.2e-05 in 1593674 control chromosomes. This frequency is not significantly higher than estimated for a pathogenic variant in CDKN2A causing Cutaneous Malignant Melanoma (4.2e-05 vs 0.0003), allowing no conclusion about variant significance. The variant, c.206A>G, has been reported in the literature in individuals affected with Cutaneous Malignant Melanoma (Chandru_2009, Cust_2011, Goldstein_2006, Hatvani_2014, Miller_2011). The variant has been found to lack co-segregation with disease being observed in unaffected individuals, along with being absent from affected individuals (Kannengiesser_2009, Miller_2011). These reports do not provide unequivocal conclusions about association of the variant with Cutaneous Malignant Melanoma. Co-occurrence with another pathogenic variant has been reported (MLH1 c.589-2A>G) (Yurgelun_2015), providing supporting evidence for a benign role. Functional studies report the variant affects CDK4 and CDK6 binding ability, Ki67 index and cellular locatization of p16 protein (McKenzie_2010, Kannengiesser_2009). The following publications have been ascertained in the context of this evaluation (PMID: 21462282, 25980754, 25780468, 20340136, 21325014, 17047042, 26104880, 19260062, 28135145, 19484507, 24660985, 30303537, 30709382, 35001868). Based on the evidence outlined above, the variant was classified as uncertain significance.

Fulgent Genetics
Classification: Uncertain significance for Melanoma, cutaneous malignant, susceptibility to, 2; Melanoma and neural system tumor syndrome; Melanoma-pancreatic cancer syndrome. Last evaluated: 2024-04-11. Review status: criteria provided, single submitter. Criteria: ACMG Guidelines, 2015. Collection method: clinical testing. Allele origin: germline.

Baylor Genetics
Classification: Uncertain significance for Melanoma and neural system tumor syndrome. Last evaluated: 2024-03-27. Review status: criteria provided, single submitter. Criteria: ACMG Guidelines, 2015. Collection method: clinical testing. Allele origin: unknown.

Labcorp Genetics (formerly Invitae), Labcorp
Classification: Uncertain significance for Familial melanoma. Last evaluated: 2024-01-29. Review status: criteria provided, single submitter. Criteria: Invitae Variant Classification Sherloc (09022015). Collection method: clinical testing. Allele origin: germline.
Comment: This sequence change replaces glutamic acid, which is acidic and polar, with glycine, which is neutral and non-polar, at codon 69 of the CDKN2A (p16INK4a) protein (p.Glu69Gly). This variant is present in population databases (rs372670098, gnomAD 0.002%). This missense change has been observed in individual(s) with melanoma (PMID: 17047042, 21325014, 24660985). ClinVar contains an entry for this variant (Variation ID: 186615). An algorithm developed to predict the effect of missense changes on protein structure and function (PolyPhen-2) suggests that this variant¬†is likely to be tolerated. Experimental studies have shown that this missense change affects CDKN2A (p16INK4a) function (PMID: 19260062, 20340136). In summary, the available evidence is currently insufficient to determine the role of this variant in disease. Therefore, it has been classified as a Variant of Uncertain Significance.

Department of Pathology and Laboratory Medicine, Sinai Health System
Classification: Uncertain significance for Melanoma-pancreatic cancer syndrome. Last evaluated: 2023-08-14. Review status: criteria provided, single submitter. Criteria: ACMG Guidelines, 2015. Collection method: research. Allele origin: germline.

Literature cited by the submitters: PubMed 17047042 (cited by 5 submitters); PubMed 19260062 (cited by 6 submitters); PubMed 19484507 (cited by 3 submitters); PubMed 20340136 (cited by 6 submitters); PubMed 21325014 (cited by 5 submitters); PubMed 21462282 (cited by 5 submitters); PubMed 24660985 (cited by 5 submitters); PubMed 25780468 (cited by 4 submitters); PubMed 25980754 (cited by 4 submitters); PubMed 26104880 (cited by 3 submitters); PubMed 35001868 (cited by 5 submitters); PubMed 9425228 (cited by Ambry Genetics); PubMed 9751050 (cited by Ambry Genetics); PubMed 28135145 (cited by 3 submitters); PubMed 30709382 (cited by Quest Diagnostics Nichols Institute San Juan Capistrano and Women's Health and Genetics/Laboratory Corporation of America, LabCorp); PubMed 33753322 (cited by Quest Diagnostics Nichols Institute San Juan Capistrano and Color Diagnostics, LLC DBA Color Health); PubMed 16905682 (cited by Quest Diagnostics Nichols Institute San Juan Capistrano); PubMed 40238651 (cited by Quest Diagnostics Nichols Institute San Juan Capistrano); PubMed 29922827 (cited by Quest Diagnostics Nichols Institute San Juan Capistrano); PubMed 20876876 (cited by Quest Diagnostics Nichols Institute San Juan Capistrano); PubMed 30339520 (cited by Quest Diagnostics Nichols Institute San Juan Capistrano); PubMed 34123788 (cited by Quest Diagnostics Nichols Institute San Juan Capistrano); PubMed 30561760 (cited by Quest Diagnostics Nichols Institute San Juan Capistrano); PubMed 39420514 (cited by Quest Diagnostics Nichols Institute San Juan Capistrano); PubMed 27756164 (cited by Women's Health and Genetics/Laboratory Corporation of America, LabCorp); PubMed 27960642 (cited by Women's Health and Genetics/Laboratory Corporation of America, LabCorp); PubMed 28765326 (cited by Women's Health and Genetics/Laboratory Corporation of America, LabCorp); PubMed 9166859 (cited by Women's Health and Genetics/Laboratory Corporation of America, LabCorp); PubMed 16818274 (cited by Women's Health and Genetics/Laboratory Corporation of America, LabCorp); PubMed 18519632 (cited by Women's Health and Genetics/Laboratory Corporation of America, LabCorp); PubMed 7718873 (cited by Women's Health and Genetics/Laboratory Corporation of America, LabCorp); PubMed 30303537 (cited by Women's Health and Genetics/Laboratory Corporation of America, LabCorp); PubMed 28440912 (cited by Women's Health and Genetics/Laboratory Corporation of America, LabCorp).